The following is an entry in ClinVar:

NM_174978.3(C14orf39):c.1279T>C (p.Phe427Leu)

Gene: C14orf39 (chromosome 14 open reading frame 39; minus strand). Cytogenetic location: 14q23.1.
Variant type: single nucleotide variant.
Coding change: c.1279T>C on transcript NM_174978.3 (MANE Select); coding-DNA position 1279, T replaced by C.
Protein change: p.Phe427Leu; replaces phenylalanine 427 with leucine.
Molecular consequence: missense variant.
Genome position (GRCh38, 1-based): chr14:60,456,996, A>G on the plus strand (T>C on the coding strand, the complement: C14orf39 is on the minus strand). VCF-style: chr14-60456996-A-G. GRCh37 (hg19) VCF-style: chr14-60923714-A-G.
Other names: short protein forms F427L.
Identifiers: ClinVar variation 3055519 (VCV003055519.16), dbSNP rs149339653, ClinGen allele CA7212057.
Genomic context (GRCh38, chr14:60,456,996, plus strand): 5'-TAGGGAATTTTATTTTCTCCAATGACTCAGGTGCTTTCACAGCTTTGGGAGTTCCTAAAA[A>G]TATAGGAATTTCAGACGTTCGTGGAAAATTCTCAGCTCTCTCTTCTACTTCATCACTATC-3'
Protein context (NP_777638.3, residues 417-437): NFPRTSEIPI[Phe427Leu]LGTPKAVKAP

ClinVar aggregate classification (germline): Likely benign. Review status: criteria provided, single submitter (1 of 4 stars). 2 submissions from 2 submitters: Likely benign (1). 1 of the submissions does not count toward it. Last evaluated 2024-11-01.

Conditions:
C14orf39-related disorder. Also called: C14orf39-related condition.

Allele frequency attached by ClinVar (database versions not stated): 1000 Genomes Project 0.00160; 1000 Genomes Project 30x 0.00203; TOPMed 0.00216; gnomAD 0.00229; ExAC 0.00243; ESP Exome Variant Server 0.00254; gnomAD exomes 0.00373.
gnomAD v4.1: 5,718 of 1,611,372 alleles (0.35%); highest among the groups gnomAD compares: Non-Finnish European, 0.44%; 17 homozygotes.

Submissions (2):

CeGaT Center for Human Genetics Tuebingen
Classification: Likely benign. Last evaluated: 2024-11-01. Review status: criteria provided, single submitter. Criteria: CeGaT Center For Human Genetics Tuebingen Variant Classification Criteria Version 2. Collection method: clinical testing. Allele origin: germline. Affected: yes. Observed: 1 variant allele.
Comment: C14orf39: BP4, BS2

PreventionGenetics, part of Exact Sciences
Classification: Likely benign for C14orf39-related condition. Last evaluated: 2022-02-11. Review status: no assertion criteria provided. Collection method: clinical testing. Allele origin: germline. Not counted in ClinVar's aggregate classification.
Comment: This variant is classified as likely benign based on ACMG/AMP sequence variant interpretation guidelines (Richards et al. 2015 PMID: 25741868, with internal and published modifications).